The following is an entry in ClinVar:

NM_000091.5(COL4A3):c.3419-1G>C

Genes: COL4A3 (collagen type IV alpha 3 chain; plus strand), MFF-DT (MFF divergent transcript; minus strand). Cytogenetic location: 2q36.3.
Variant type: single nucleotide variant.
Coding change: c.3419-1G>C on transcript NM_000091.5 (MANE Select); the canonical splice acceptor site of the intron before coding-DNA position 3419, G replaced by C.
Molecular consequence: splice acceptor variant.
Genome position (GRCh38, 1-based): chr2:227,294,963, G>C. VCF-style: chr2-227294963-G-C. GRCh37 (hg19) VCF-style: chr2-228159679-G-C.
Identifiers: ClinVar variation 1915189 (VCV001915189.5), dbSNP rs1358278568, ClinGen allele CA350858662.

ClinVar aggregate classification (germline): Likely pathogenic (1 of 4 stars; one submission).

gnomAD v4.1: 1 of 1,550,036 alleles (0.000065%); highest among the groups gnomAD compares: Non-Finnish European, 0.000089%; no homozygotes.

Submission:

Labcorp Genetics (formerly Invitae), Labcorp
Classification: Likely pathogenic. Last evaluated: 2022-08-08. Review status: criteria provided, single submitter. Criteria: Invitae Variant Classification Sherloc (09022015). Collection method: clinical testing. Allele origin: germline.
Comment: Algorithms developed to predict the effect of sequence changes on RNA splicing suggest that this variant may disrupt the consensus splice site. In summary, the currently available evidence indicates that the variant is pathogenic, but additional data are needed to prove that conclusively. Therefore, this variant has been classified as Likely Pathogenic. This variant has not been reported in the literature in individuals affected with COL4A3-related conditions. This sequence change affects an acceptor splice site in intron 39 of the COL4A3 gene. It is expected to disrupt RNA splicing. Variants that disrupt the donor or acceptor splice site typically lead to a loss of protein function (PMID: 16199547), and loss-of-function variants in COL4A3 are known to be pathogenic (PMID: 8956999, 24854265, 26809805, 27281700). This variant is not present in population databases (gnomAD no frequency).

Literature cited by the submitters: PubMed 16199547; PubMed 8956999; PubMed 24854265; PubMed 26809805; PubMed 27281700.